The following is an entry in ClinVar:

NM_020937.4(FANCM):c.5815G>C (p.Glu1939Gln)

Gene: FANCM (FA complementation group M; plus strand). Cytogenetic location: 14q21.2.
Variant type: single nucleotide variant.
Coding change: c.5815G>C on transcript NM_020937.4 (MANE Select); coding-DNA position 5815, G replaced by C.
Protein change: p.Glu1939Gln; replaces glutamic acid 1939 with glutamine.
Molecular consequence: missense variant.
Genome position (GRCh38, 1-based): chr14:45,198,742, G>C. VCF-style: chr14-45198742-G-C. GRCh37 (hg19) VCF-style: chr14-45667945-G-C.
Other names: c.5737G>C, p.Glu1913Gln (NM_001308133.2); short protein forms E1913Q, E1939Q.
Identifiers: ClinVar variation 3897129 (VCV003897129.2).
Genomic context (GRCh38, chr14:45,198,742, plus strand): 5'-GACAGCCTGCTGACTACCTTAATTGGCGCTGGAATCCGAATTCTTTTCAGTTCCTGCCAA[G>C]AAGAAACCGCAGATTTGCTAAAGGAACTGTCTTTAGTGGAACAAAGAAAGAATGTTGGTA-3'
Protein context (NP_065988.1, residues 1929-1949): GIRILFSSCQ[Glu1939Gln]ETADLLKELS

ClinVar aggregate classification (germline): Uncertain significance. Review status: criteria provided, multiple submitters, no conflicts (2 of 4 stars). 2 submissions from 2 submitters: Uncertain significance (2). Last evaluated 2026-05-27.

Conditions:
Inborn genetic diseases. Identifiers: MedGen C0950123, MeSH D030342.

Submissions (2):

Ambry Genetics
Classification: Uncertain significance for Inborn genetic diseases. Last evaluated: 2026-05-27. Review status: criteria provided, single submitter. Criteria: Ambry Variant Classification Scheme 2023. Collection method: clinical testing. Allele origin: germline.
Comment: The p.E1939Q variant (also known as c.5815G>C), located in coding exon 22 of the FANCM gene, results from a G to C substitution at nucleotide position 5815. The glutamic acid at codon 1939 is replaced by glutamine, an amino acid with highly similar properties. This amino acid position is conserved. In addition, this alteration is predicted to be tolerated by in silico analysis. Based on the available evidence, the clinical significance of this variant remains unclear.

GeneDx
Classification: Uncertain significance. Last evaluated: 2024-11-05. Review status: criteria provided, single submitter. Criteria: GeneDx Variant Classification Process June 2021. Collection method: clinical testing. Allele origin: germline. Affected: yes.
Comment: Not observed at significant frequency in large population cohorts (gnomAD); In silico analysis supports that this missense variant has a deleterious effect on protein structure/function; Has not been previously published as pathogenic or benign to our knowledge